The following is an entry in ClinVar:

NM_001384732.1(CPLANE1):c.2501-5_2501-3del

Gene: CPLANE1 (ciliogenesis and planar polarity effector complex subunit 1; minus strand). Cytogenetic location: 5p13.2.
Variant type: Deletion.
Coding change: c.2501-5_2501-3del on transcript NM_001384732.1 (MANE Select); 5 bases into the intron before coding-DNA position 2501 through 3 bases into the intron before coding-DNA position 2501, 3 bases deleted (TCT; older notation c.2501-5_2501-3delTCT).
Molecular consequence: intron variant.
Genome position (GRCh38, 1-based): chr5:37,224,336-37,224,338, AGA deleted on the plus strand (TCT on the coding strand, the reverse complement: CPLANE1 is on the minus strand); deleting any 3 consecutive bases within chr5:37,224,336-37,224,339 gives the same sequence; the c. name uses the placement nearest the transcript's 3' end. VCF-style (leftmost placement, unchanged base first): chr5-37224335-TAGA-T. GRCh37 (hg19) VCF-style: chr5-37224437-TAGA-T.
Other names: c.2501-5_2501-3del (NM_023073.4).
Identifiers: ClinVar variation 1400038 (VCV001400038.6), dbSNP rs2150396880, ClinGen allele CA2573139651.

ClinVar aggregate classification (germline): Uncertain significance (1 of 4 stars; one submission).

Submission:

Labcorp Genetics (formerly Invitae), Labcorp
Classification: Uncertain significance. Last evaluated: 2021-02-19. Review status: criteria provided, single submitter. Criteria: Invitae Variant Classification Sherloc (09022015). Collection method: clinical testing. Allele origin: germline.
Comment: This sequence change falls in intron 13 of the CPLANE1 gene. It does not directly change the encoded amino acid sequence of the CPLANE1 protein. This variant is not present in population databases (ExAC no frequency). This variant has been observed in individual(s) with clinical features of orofaciodigital syndrome (Invitae). Algorithms developed to predict the effect of sequence changes on RNA splicing suggest that this variant may disrupt the consensus splice site, but this prediction has not been confirmed by published transcriptional studies. In summary, the available evidence is currently insufficient to determine the role of this variant in disease. Therefore, it has been classified as a Variant of Uncertain Significance.